The following is an entry in ClinVar:

ClinVar aggregate classification (germline): Benign. Review status: criteria provided, multiple submitters, no conflicts (2 of 4 stars). 2 submissions from 2 submitters: Benign (2). Last evaluated 2018-01-13.

Conditions:
Colorectal cancer, hereditary nonpolyposis, type 7. Identifiers: Orphanet 144, MedGen C1858380, MONDO:0013725, OMIM 614385.

Allele frequency attached by ClinVar (database versions not stated): 1000 Genomes Project 30x 0.33885; 1000 Genomes Project 0.33506; TOPMed 0.37984; gnomAD 0.39375.
gnomAD v4.1: 88,548 of 223,208 alleles (40%); highest among the groups gnomAD compares: Middle Eastern, 48%; 18,503 homozygotes.

Submissions (2):

Illumina Laboratory Services, Illumina
Classification: Benign for Colorectal cancer, hereditary nonpolyposis, type 7. Last evaluated: 2018-01-13. Review status: criteria provided, single submitter. Criteria: ICSL Variant Classification Criteria 13 December 2019. Collection method: clinical testing. Allele origin: germline.
Comment: This variant was observed in the ICSL laboratory as part of a predisposition screen in an ostensibly healthy population. It had not been previously curated by ICSL or reported in the Human Gene Mutation Database (HGMD: prior to June 1st, 2018), and was therefore a candidate for classification through an automated scoring system. Utilizing variant allele frequency, disease prevalence and penetrance estimates, and inheritance mode, an automated score was calculated to assess if this variant is too frequent to cause the disease. Based on the score and internal cut-off values, a variant classified as benign is not then subjected to further curation. The score for this variant resulted in a classification of benign for this disease.

Breakthrough Genomics
Classification: Benign. Review status: criteria provided, single submitter. Criteria: ACMG Guidelines, 2015. Collection method: not provided. Allele origin: germline. Inheritance: Autosomal dominant inheritance. Affected: yes.

NM_001040108.2(MLH3):c.*958G>T

Gene: MLH3 (mutL homolog 3; minus strand). Cytogenetic location: 14q24.3.
Variant type: single nucleotide variant.
Coding change: c.*958G>T on transcript NM_001040108.2 (MANE Select); 958 bases downstream of the stop codon, G replaced by T.
Molecular consequence: 3 prime UTR variant.
Genome position (GRCh38, 1-based): chr14:75,016,124, C>A on the plus strand (G>T on the coding strand, the complement: MLH3 is on the minus strand). VCF-style: chr14-75016124-C-A. GRCh37 (hg19) VCF-style: chr14-75482827-C-A.
Other names: c.*958G>T (NM_014381.3).
Identifiers: ClinVar variation 314363 (VCV000314363.6), dbSNP rs398896, ClinGen allele CA10644931.